The following is an entry in ClinVar:

NM_005560.6(LAMA5):c.4467C>T (p.Arg1489=)

Gene: LAMA5 (laminin subunit alpha 5; minus strand). Cytogenetic location: 20q13.33.
Variant type: single nucleotide variant.
Coding change: c.4467C>T on transcript NM_005560.6 (MANE Select); coding-DNA position 4467, C replaced by T.
Protein change: p.Arg1489=; no amino-acid change (arginine 1489 retained).
Molecular consequence: synonymous variant.
Genome position (GRCh38, 1-based): chr20:62,328,426, G>A on the plus strand (C>T on the coding strand, the complement: LAMA5 is on the minus strand). VCF-style: chr20-62328426-G-A. GRCh37 (hg19) VCF-style: chr20-60903482-G-A.
Other names: c.4467C>T (NM_005560.4).
Identifiers: ClinVar variation 2724542 (VCV002724542.5), dbSNP rs369784534, ClinGen allele CA9942584.

ClinVar aggregate classification (germline): Likely benign. Review status: criteria provided, single submitter (1 of 4 stars). 2 submissions from 2 submitters: Likely benign (1). 1 of the submissions does not count toward it. Last evaluated 2025-04-08.

Conditions:
LAMA5-related disorder. Also called: LAMA5-Related Disorders; LAMA5-related condition.

Allele frequency attached by ClinVar (database versions not stated): gnomAD 0.00001.

Submissions (2):

Labcorp Genetics (formerly Invitae), Labcorp
Classification: Likely benign. Last evaluated: 2025-04-08. Review status: criteria provided, single submitter. Criteria: Invitae Variant Classification Sherloc (09022015). Collection method: clinical testing. Allele origin: germline.

PreventionGenetics, part of Exact Sciences
Classification: Likely benign for LAMA5-related condition. Last evaluated: 2019-06-27. Review status: no assertion criteria provided. Collection method: clinical testing. Allele origin: germline. Not counted in ClinVar's aggregate classification.
Comment: This variant is classified as likely benign based on ACMG/AMP sequence variant interpretation guidelines (Richards et al. 2015 PMID: 25741868, with internal and published modifications).